The following is an entry in ClinVar:

NM_000297.4(PKD2):c.2500G>T (p.Val834Phe)

Gene: PKD2 (polycystin 2, transient receptor potential cation channel; plus strand). Cytogenetic location: 4q22.1.
Variant type: single nucleotide variant.
Coding change: c.2500G>T on transcript NM_000297.4 (MANE Select); coding-DNA position 2500, G replaced by T.
Protein change: p.Val834Phe; replaces valine 834 with phenylalanine.
Molecular consequence: missense variant. On other transcripts: non-coding transcript variant (1).
Genome position (GRCh38, 1-based): chr4:88,068,039, G>T. VCF-style: chr4-88068039-G-T. GRCh37 (hg19) VCF-style: chr4-88989191-G-T.
Other names: short protein forms V834F.
Identifiers: ClinVar variation 3678471 (VCV003678471.2).

ClinVar aggregate classification (germline): Uncertain significance (1 of 4 stars; one submission).

Conditions:
Autosomal dominant polycystic kidney disease. Identifiers: Orphanet 730, MedGen C0085413, MONDO:0004691.

Submission:

Labcorp Genetics (formerly Invitae), Labcorp
Classification: Uncertain significance for Autosomal dominant polycystic kidney disease. Last evaluated: 2024-09-06. Review status: criteria provided, single submitter. Criteria: Invitae Variant Classification Sherloc (09022015). Collection method: clinical testing. Allele origin: germline.
Comment: This sequence change replaces valine, which is neutral and non-polar, with phenylalanine, which is neutral and non-polar, at codon 834 of the PKD2 protein (p.Val834Phe). This variant is not present in population databases (gnomAD no frequency). This variant has not been reported in the literature in individuals affected with PKD2-related conditions. Invitae Evidence Modeling of protein sequence and biophysical properties (such as structural, functional, and spatial information, amino acid conservation, physicochemical variation, residue mobility, and thermodynamic stability) indicates that this missense variant is not expected to disrupt PKD2 protein function with a negative predictive value of 80%. In summary, the available evidence is currently insufficient to determine the role of this variant in disease. Therefore, it has been classified as a Variant of Uncertain Significance.